The following is an entry in ClinVar:

NM_080669.6(SLC46A1):c.523C>T (p.Arg175Cys)

Gene: SLC46A1 (solute carrier family 46 member 1; minus strand). Cytogenetic location: 17q11.2.
Variant type: single nucleotide variant.
Coding change: c.523C>T on transcript NM_080669.6 (MANE Select); coding-DNA position 523, C replaced by T.
Protein change: p.Arg175Cys; replaces arginine 175 with cysteine.
Molecular consequence: missense variant.
Genome position (GRCh38, 1-based): chr17:28,405,174, G>A on the plus strand (C>T on the coding strand, the complement: SLC46A1 is on the minus strand). VCF-style: chr17-28405174-G-A. GRCh37 (hg19) VCF-style: chr17-26732192-G-A.
Other names: c.523C>T, p.Arg175Cys (NM_001242366.3); short protein forms R175C.
Identifiers: ClinVar variation 1962276 (VCV001962276.5), dbSNP rs1555590784, ClinGen allele CA398351115.
Genomic context (GRCh38, chr17:28,405,174, plus strand): 5'-CCAGCATCCCAGCCACCCCGATGCTGGCTTCCAGCAGGGCCATCCGGAAGGTGCGGCTGC[G>A]ACTGGAGCTGACATCTGCCACGGACGCAAAGCTAGCAGCCAGAAGGCCACCGAAGTCGCC-3'
Protein context (NP_542400.2, residues 165-185): FASVADVSSS[Arg175Cys]SRTFRMALLE

ClinVar aggregate classification (germline): Uncertain significance (1 of 4 stars; one submission).

Allele frequency attached by ClinVar (database versions not stated): gnomAD exomes below 0.00001.
gnomAD v4.1: 1 of 1,608,034 alleles (0.000062%); highest among the groups gnomAD compares: Non-Finnish European, 0.000085%; no homozygotes.

Submission:

Labcorp Genetics (formerly Invitae), Labcorp
Classification: Uncertain significance. Last evaluated: 2022-07-03. Review status: criteria provided, single submitter. Criteria: Invitae Variant Classification Sherloc (09022015). Collection method: clinical testing. Allele origin: germline.
Comment: In summary, the available evidence is currently insufficient to determine the role of this variant in disease. Therefore, it has been classified as a Variant of Uncertain Significance. Experimental studies and prediction algorithms are not available or were not evaluated, and the functional significance of this variant is currently unknown. This variant has not been reported in the literature in individuals affected with SLC46A1-related conditions. The frequency data for this variant in the population databases is considered unreliable, as metrics indicate poor data quality at this position in the gnomAD database. This sequence change replaces arginine, which is basic and polar, with cysteine, which is neutral and slightly polar, at codon 175 of the SLC46A1 protein (p.Arg175Cys).